The following is an entry in ClinVar:

NM_000231.3(SGCG):c.196-3C>T

Gene: SGCG (sarcoglycan gamma; plus strand). Cytogenetic location: 13q12.12.
Variant type: single nucleotide variant.
Coding change: c.196-3C>T on transcript NM_000231.3 (MANE Select); 3 bases into the intron before coding-DNA position 196, C replaced by T.
Molecular consequence: intron variant.
Genome position (GRCh38, 1-based): chr13:23,234,608, C>T. VCF-style: chr13-23234608-C-T. GRCh37 (hg19) VCF-style: chr13-23808747-C-T.
Other names: c.250-3C>T (NM_001378244.1); c.196-3C>T (NM_001378245.1, NM_001378246.1).
Identifiers: ClinVar variation 501306 (VCV000501306.13), dbSNP rs765273430, ClinGen allele CA6909611.

ClinVar aggregate classification (germline): Conflicting classifications of pathogenicity. Review status: criteria provided, conflicting classifications (1 of 4 stars). 5 submissions from 5 submitters: Uncertain significance (3); Likely benign (1). 1 of the submissions does not count toward it. Last evaluated 2023-04-13.

Conditions:
Autosomal recessive limb-girdle muscular dystrophy type 2C (LGMDR5). Also called: MUSCULAR DYSTROPHY, LIMB-GIRDLE, AUTOSOMAL RECESSIVE 5; MUSCULAR DYSTROPHY, DUCHENNE-LIKE. Identifiers: Orphanet 353, MedGen C0410173, MONDO:0009677, OMIM 253700. Disease mechanism: Affects gamma-sarcoglycan and also disrupts the integrity of the entire sarcoglycan complex..

Allele frequency attached by ClinVar (database versions not stated): gnomAD exomes 0.00001; ExAC 0.00003; gnomAD 0.00014 and 0.00016.
gnomAD v4.1: 28 of 1,571,304 alleles (0.0018%); highest among the groups gnomAD compares: African/African-American, 0.038%; no homozygotes.

Submissions (5):

Revvity Omics, Revvity
Classification: Uncertain significance for Autosomal recessive limb-girdle muscular dystrophy type 2C. Last evaluated: 2023-04-13. Review status: criteria provided, single submitter. Criteria: ACMG Guidelines, 2015. Collection method: clinical testing. Allele origin: germline.

Labcorp Genetics (formerly Invitae), Labcorp
Classification: Uncertain significance for Autosomal recessive limb-girdle muscular dystrophy type 2C. Last evaluated: 2022-11-01. Review status: criteria provided, single submitter. Criteria: Invitae Variant Classification Sherloc (09022015). Collection method: clinical testing. Allele origin: germline.
Comment: This sequence change falls in intron 2 of the SGCG gene. It does not directly change the encoded amino acid sequence of the SGCG protein. It affects a nucleotide within the consensus splice site. This variant is present in population databases (rs765273430, gnomAD 0.03%). This variant has not been reported in the literature in individuals affected with SGCG-related conditions. ClinVar contains an entry for this variant (Variation ID: 501306). Variants that disrupt the consensus splice site are a relatively common cause of aberrant splicing (PMID: 17576681, 9536098). Algorithms developed to predict the effect of sequence changes on RNA splicing suggest that this variant is not likely to affect RNA splicing. In summary, the available evidence is currently insufficient to determine the role of this variant in disease. Therefore, it has been classified as a Variant of Uncertain Significance.

Blueprint Genetics
Classification: Likely benign. Last evaluated: 2018-11-07. Review status: criteria provided, single submitter. Criteria: ACMG Guidelines, 2015. Collection method: clinical testing. Allele origin: germline.

Eurofins Ntd Llc (ga)
Classification: Uncertain significance. Last evaluated: 2017-04-19. Review status: criteria provided, single submitter. Criteria: EGL Classification Definitions 2015. Collection method: clinical testing. Allele origin: germline. Observed: 1 variant allele, 1 heterozygote.

Natera, Inc.
Classification: Uncertain significance for Limb-girdle muscular dystrophy type 2C. Last evaluated: 2020-02-26. Review status: no assertion criteria provided. Collection method: clinical testing. Allele origin: germline. Not counted in ClinVar's aggregate classification.

Literature cited by the submitters: PubMed 17576681 (cited by Labcorp Genetics (formerly Invitae), Labcorp); PubMed 9536098 (cited by Labcorp Genetics (formerly Invitae), Labcorp).